The following is an entry in ClinVar:

NM_203446.3(SYNJ1):c.2760G>C (p.Gln920His)

Gene: SYNJ1 (synaptojanin 1; minus strand). Cytogenetic location: 21q22.11.
Variant type: single nucleotide variant.
Coding change: c.2760G>C on transcript NM_203446.3 (MANE Select); coding-DNA position 2760, G replaced by C.
Protein change: p.Gln920His; replaces glutamine 920 with histidine.
Molecular consequence: missense variant.
Genome position (GRCh38, 1-based): chr21:32,656,722, C>G on the plus strand (G>C on the coding strand, the complement: SYNJ1 is on the minus strand). VCF-style: chr21-32656722-C-G. GRCh37 (hg19) VCF-style: chr21-34029032-C-G.
Other names: c.2760G>C, p.Gln920His (NM_001160302.2); c.2745G>C, p.Gln915His (NM_001160306.2); c.2877G>C, p.Gln959His (NM_003895.4); short protein forms Q920H, Q915H, Q959H.
Identifiers: ClinVar variation 968963 (VCV000968963.11), dbSNP rs777815557, ClinGen allele CA10003598.

ClinVar aggregate classification (germline): Uncertain significance. Review status: criteria provided, multiple submitters, no conflicts (2 of 4 stars). 2 submissions from 2 submitters: Uncertain significance (2). Last evaluated 2023-10-02.

Conditions:
Early-onset Parkinson disease 20. Also called: PARKINSON DISEASE 20, AUTOSOMAL RECESSIVE EARLY-ONSET. Identifiers: Orphanet 391411, MedGen C3809824, MONDO:0014233, OMIM 615530.
Developmental and epileptic encephalopathy, 53. Also called: Epileptic encephalopathy, early infantile, 53. Identifiers: MedGen C4479313, MONDO:0033362, OMIM 617389.
Inborn genetic diseases. Identifiers: MedGen C0950123, MeSH D030342.

Allele frequency attached by ClinVar (database versions not stated): gnomAD exomes below 0.00001 and 0.00001; TOPMed below 0.00001; ExAC 0.00001.
gnomAD v4.1: 7 of 1,613,918 alleles (0.00043%); highest among the groups gnomAD compares: Non-Finnish European, 0.00059%; no homozygotes.

Submissions (2):

Ambry Genetics
Classification: Uncertain significance for Inborn genetic diseases. Last evaluated: 2023-10-02. Review status: criteria provided, single submitter. Criteria: Ambry Variant Classification Scheme 2023. Collection method: clinical testing. Allele origin: germline.

Labcorp Genetics (formerly Invitae), Labcorp
Classification: Uncertain significance for Developmental and epileptic encephalopathy, 53; Early-onset Parkinson disease 20. Last evaluated: 2020-11-03. Review status: criteria provided, single submitter. Criteria: Invitae Variant Classification Sherloc (09022015). Collection method: clinical testing. Allele origin: germline.
Comment: In summary, the available evidence is currently insufficient to determine the role of this variant in disease. Therefore, it has been classified as a Variant of Uncertain Significance. Algorithms developed to predict the effect of missense changes on protein structure and function are either unavailable or do not agree on the potential impact of this missense change (SIFT: "Deleterious"; PolyPhen-2: "Possibly Damaging"; Align-GVGD: "Class C0"). This variant has not been reported in the literature in individuals with SYNJ1-related conditions. This variant is present in population databases (rs777815557, ExAC 0.002%). This sequence change replaces glutamine with histidine at codon 959 of the SYNJ1 protein (p.Gln959His). The glutamine residue is moderately conserved and there is a small physicochemical difference between glutamine and histidine.